The following is an entry in ClinVar:

NM_213599.3(ANO5):c.681C>T (p.Gly227=)

Gene: ANO5 (anoctamin 5; plus strand). Cytogenetic location: 11p14.3.
Variant type: single nucleotide variant.
Coding change: c.681C>T on transcript NM_213599.3 (MANE Select); coding-DNA position 681, C replaced by T.
Protein change: p.Gly227=; no amino-acid change (glycine 227 retained).
Molecular consequence: synonymous variant.
Genome position (GRCh38, 1-based): chr11:22,236,195, C>T. VCF-style: chr11-22236195-C-T. GRCh37 (hg19) VCF-style: chr11-22257741-C-T.
Other names: c.678C>T, p.Gly226= (NM_001142649.2); c.639C>T, p.Gly213= (NM_001410963.1); c.636C>T, p.Gly212= (NM_001410964.1).
Identifiers: ClinVar variation 2068507 (VCV002068507.5), dbSNP rs547557493, ClinGen allele CA5922993.

ClinVar aggregate classification (germline): Likely benign (1 of 4 stars; one submission).

Conditions:
Miyoshi muscular dystrophy 3 (MMD3). Also called: Miyoshi myopathy 3; Miyoshi Muscular Dystrophy 3 (MMD3). Identifiers: Orphanet 399096, MedGen C2750076, MONDO:0013222, OMIM 613319.
Gnathodiaphyseal dysplasia (GDD). Also called: GNATHODIAPHYSEAL SCLEROSIS; OSTEOGENESIS IMPERFECTA WITH UNUSUAL SKELETAL LESIONS. Identifiers: Orphanet 53697, MedGen C1833736, MONDO:0008151, OMIM 166260.
Autosomal recessive limb-girdle muscular dystrophy type 2L (LGMDR12). Also called: MUSCULAR DYSTROPHY, LIMB-GIRDLE, AUTOSOMAL RECESSIVE 12; Limb-girdle muscular dystrophy, type 2L; Limb-Girdle Muscular Dystrophy R12 Anoctamin-5-Related (LGMD-R12). Identifiers: Orphanet 206549, MedGen C1969785, MONDO:0012652, OMIM 611307.

Allele frequency attached by ClinVar (database versions not stated): ExAC 0.00001; gnomAD 0.00001; 1000 Genomes Project 30x 0.00016; 1000 Genomes Project 0.00020.
gnomAD v4.1: 1 of 1,613,136 alleles (0.000062%); highest among the groups gnomAD compares: African/African-American, 0.0013%; no homozygotes.

Submission:

Labcorp Genetics (formerly Invitae), Labcorp
Classification: Likely benign for Autosomal recessive limb-girdle muscular dystrophy type 2L; Gnathodiaphyseal dysplasia. Last evaluated: 2024-02-17. Review status: criteria provided, single submitter. Criteria: Invitae Variant Classification Sherloc (09022015). Collection method: clinical testing. Allele origin: germline.